The following is an entry in ClinVar:

ClinVar aggregate classification (germline): Uncertain significance (1 of 4 stars; one submission).

Conditions:
Hereditary breast ovarian cancer syndrome. Also called: Hereditary breast and ovarian cancer; Hereditary breast and ovarian cancer syndrome (HBOC); Breast and ovarian cancer; Hereditary breast and/or ovarian cancer syndrome; BRCA1- and BRCA2-Associated Hereditary Breast and Ovarian Cancer; Hereditary breast and ovarian cancer syndrome. Identifiers: Orphanet 145, MedGen C0677776, MeSH D061325, MONDO:0003582. Disease mechanism: loss of function.

Submissions (2):

Labcorp Genetics (formerly Invitae), Labcorp
Classification: Uncertain significance for Hereditary breast ovarian cancer syndrome. Last evaluated: 2025-07-14. Review status: criteria provided, single submitter. Criteria: Invitae Variant Classification Sherloc (09022015). Collection method: clinical testing. Allele origin: germline.
Comment: This sequence change replaces serine, which is neutral and polar, with glycine, which is neutral and non-polar, at codon 1631 of the BRCA1 protein (p.Ser1631Gly). This variant is not present in population databases (gnomAD no frequency). This variant has not been reported in the literature in individuals affected with BRCA1-related conditions. ClinVar contains an entry for this variant (Variation ID: 868834). Invitae Evidence Modeling incorporating data from in vitro experimental studies (PMID: 30209399) indicates that this missense variant is not expected to disrupt BRCA1 function with a negative predictive value of 95%. In summary, the available evidence is currently insufficient to determine the role of this variant in disease. Therefore, it has been classified as a Variant of Uncertain Significance.

Brotman Baty Institute, University of Washington
No classification provided (evidence only). Condition: Breast-ovarian cancer, familial 1. Review status: no classification provided. Collection method: in vitro. Allele origin: not applicable. Functional consequence: functionally_normal. Not counted in ClinVar's aggregate classification.
ClinVar note: "not provided" was previously submitted as the classification for the variant. However, the classification appeared to be based only on an observation of functional data so it was converted to no classification on 2025-07-30.

Literature cited by the submitters: PubMed 30209399 (cited by Labcorp Genetics (formerly Invitae), Labcorp).

NM_007294.4(BRCA1):c.4891A>G (p.Ser1631Gly)

Gene: BRCA1 (BRCA1 DNA repair associated; minus strand). Cytogenetic location: 17q21.31.
Variant type: single nucleotide variant.
Coding change: c.4891A>G on transcript NM_007294.4 (MANE Select); coding-DNA position 4891, A replaced by G.
Protein change: p.Ser1631Gly; replaces serine 1631 with glycine.
Molecular consequence: missense variant. On other transcripts: non-coding transcript variant (1).
Genome position (GRCh38, 1-based): chr17:43,071,023, T>C on the plus strand (A>G on the coding strand, the complement: BRCA1 is on the minus strand). VCF-style: chr17-43071023-T-C. GRCh37 (hg19) VCF-style: chr17-41223040-T-C.
Other names: c.1369A>G, p.Ser457Gly (NM_001408491.1, NM_001408481.1, NM_001408482.1 and 5 more transcripts); c.1315A>G, p.Ser439Gly (NM_001408502.1, NM_001408503.1, NM_001408504.1); c.1312A>G, p.Ser438Gly (NM_001408505.1); c.1255A>G, p.Ser419Gly (NM_001408506.1); c.1252A>G, p.Ser418Gly (NM_001408507.1); c.1243A>G, p.Ser415Gly (NM_001408508.1); c.1240A>G, p.Ser414Gly (NM_001408509.1); c.1201A>G, p.Ser401Gly (NM_001408510.1); and 70 more; short protein forms S527G, S1584G, S1631G, S1652G, S1518G, S1542G, S1561G, S400G.
Identifiers: ClinVar variation 868834 (VCV000868834.4), dbSNP rs786202734, ClinGen allele CA10591742.